The following is an entry in ClinVar:

NM_000535.7(PMS2):c.2312C>A (p.Pro771Gln)

Gene: PMS2 (PMS1 homolog 2, mismatch repair system component; minus strand). Cytogenetic location: 7p22.1.
Variant type: single nucleotide variant.
Coding change: c.2312C>A on transcript NM_000535.7 (MANE Select); coding-DNA position 2312, C replaced by A.
Protein change: p.Pro771Gln; replaces proline 771 with glutamine.
Molecular consequence: missense variant.
Genome position (GRCh38, 1-based): chr7:5,977,721, G>T on the plus strand (C>A on the coding strand, the complement: PMS2 is on the minus strand). VCF-style: chr7-5977721-G-T. GRCh37 (hg19) VCF-style: chr7-6017352-G-T.
Other names: c.1907C>A, p.Pro636Gln (NM_001018040.1, NM_001322003.2, NM_001322004.2 and 12 more transcripts); c.2156C>A, p.Pro719Gln (NM_001322006.2); c.1994C>A, p.Pro665Gln (NM_001322007.2, NM_001322008.2, NM_001406883.1); c.1940C>A, p.Pro647Gln (NM_001322009.2, NM_001406887.1, NM_001406888.1); c.1751C>A, p.Pro584Gln (NM_001322010.2, NM_001406906.1, NM_001406907.1); c.1379C>A, p.Pro460Gln (NM_001322011.2, NM_001322012.2); c.1739C>A, p.Pro580Gln (NM_001322013.2, NM_001406908.1, NM_001406909.1); c.2345C>A, p.Pro782Gln (NM_001322014.2); and 18 more; short protein forms P460Q, P649Q, P663Q, P665Q, P715Q, P735Q, P779Q, P370Q.
Identifiers: ClinVar variation 1789455 (VCV001789455.6), dbSNP rs759653526, ClinGen allele CA366736040.

ClinVar aggregate classification (germline): Uncertain significance. Review status: criteria provided, multiple submitters, no conflicts (2 of 4 stars). 3 submissions from 3 submitters: Uncertain significance (3). Last evaluated 2025-07-02.

Conditions:
Hereditary cancer-predisposing syndrome. Also called: Hereditary Cancer Syndrome; Hereditary neoplastic syndrome; Tumor predisposition; Neoplastic Syndromes, Hereditary. Identifiers: Orphanet 140162, MedGen C0027672, MeSH D009386, MONDO:0015356.
Hereditary nonpolyposis colorectal neoplasms. Identifiers: MedGen C0009405, MeSH D003123.

Submissions (3):

Color Diagnostics, LLC DBA Color Health
Classification: Uncertain significance for Hereditary cancer-predisposing syndrome. Last evaluated: 2025-07-02. Review status: criteria provided, single submitter. Criteria: ACMG Guidelines, 2015. Collection method: clinical testing. Allele origin: germline.
Comment: This missense variant replaces proline with glutamine at codon 771 of the PMS2 protein. Computational prediction suggests that this variant may have deleterious impact on protein structure and function. To our knowledge, functional studies have not been reported for this variant. This variant has not been reported in individuals affected with PMS2-related disorders in the literature. This variant has been identified in 1/250186 chromosomes in the general population by the Genome Aggregation Database (gnomAD). The available evidence is insufficient to determine the role of this variant in disease conclusively. Therefore, this variant is classified as a Variant of Uncertain Significance.

Labcorp Genetics (formerly Invitae), Labcorp
Classification: Uncertain significance for Hereditary nonpolyposis colorectal neoplasms. Last evaluated: 2025-06-12. Review status: criteria provided, single submitter. Criteria: Invitae Variant Classification Sherloc (09022015). Collection method: clinical testing. Allele origin: germline.
Comment: This sequence change replaces proline, which is neutral and non-polar, with glutamine, which is neutral and polar, at codon 771 of the PMS2 protein (p.Pro771Gln). The frequency data for this variant in the population databases (gnomAD) is considered unreliable due to the presence of homologous sequence, such as pseudogenes or paralogs, in the genome. This missense change has been observed in individual(s) with esophageal cancer (PMID: 30833958). ClinVar contains an entry for this variant (Variation ID: 1789455). Invitae Evidence Modeling incorporating data from in vitro experimental studies (internal data) indicates that this missense variant is not expected to disrupt PMS2 function with a negative predictive value of 95%. In summary, the available evidence is currently insufficient to determine the role of this variant in disease. Therefore, it has been classified as a Variant of Uncertain Significance.

Ambry Genetics
Classification: Uncertain significance for Hereditary cancer-predisposing syndrome. Last evaluated: 2023-12-18. Review status: criteria provided, single submitter. Criteria: Ambry Variant Classification Scheme 2023. Collection method: clinical testing. Allele origin: germline.
Comment: The p.P771Q variant (also known as c.2312C>A), located in coding exon 14 of the PMS2 gene, results from a C to A substitution at nucleotide position 2312. The proline at codon 771 is replaced by glutamine, an amino acid with similar properties. This amino acid position is highly conserved in available vertebrate species. In addition, this alteration is predicted to be deleterious by in silico analysis. Since supporting evidence is limited at this time, the clinical significance of this alteration remains unclear.

Literature cited by the submitters: PubMed 30833958 (cited by Labcorp Genetics (formerly Invitae), Labcorp).